The following is an entry in ClinVar:

NM_005631.5(SMO):c.833G>A (p.Ser278Asn)

Gene: SMO (smoothened, frizzled class receptor; plus strand). Cytogenetic location: 7q32.1.
Variant type: single nucleotide variant.
Coding change: c.833G>A on transcript NM_005631.5 (MANE Select); coding-DNA position 833, G replaced by A.
Protein change: p.Ser278Asn; replaces serine 278 with asparagine.
Molecular consequence: missense variant.
Genome position (GRCh38, 1-based): chr7:129,205,695, G>A. VCF-style: chr7-129205695-G-A. GRCh37 (hg19) VCF-style: chr7-128845536-G-A.
Other names: short protein forms S278N.
Identifiers: ClinVar variation 3376038 (VCV003376038.1).

ClinVar aggregate classification (germline): Uncertain significance (1 of 4 stars; one submission).

Submission:

GeneDx
Classification: Uncertain significance. Last evaluated: 2024-05-06. Review status: criteria provided, single submitter. Criteria: GeneDx Variant Classification Process June 2021. Collection method: clinical testing. Allele origin: germline. Affected: yes.
Comment: Not observed at significant frequency in large population cohorts (gnomAD); In silico analysis indicates that this missense variant does not alter protein structure/function; Has not been previously published as pathogenic or benign to our knowledge